The following is an entry in ClinVar:

NM_000376.3(VDR):c.277+6T>A

Gene: VDR (vitamin D receptor; minus strand). Cytogenetic location: 12q13.11.
Variant type: single nucleotide variant.
Coding change: c.277+6T>A on transcript NM_000376.3 (MANE Select); 6 bases into the intron after coding-DNA position 277, T replaced by A.
Molecular consequence: intron variant.
Genome position (GRCh38, 1-based): chr12:47,865,041, A>T on the plus strand (T>A on the coding strand, the complement: VDR is on the minus strand). VCF-style: chr12-47865041-A-T. GRCh37 (hg19) VCF-style: chr12-48258824-A-T.
Other names: c.277+6T>A (NM_001374662.1, NM_001364085.2, NM_001017535.2 and 1 more transcripts); c.427+6T>A (NM_001017536.2).
Identifiers: ClinVar variation 2058975 (VCV002058975.4), dbSNP rs1311267753, ClinGen allele CA2580085470.

ClinVar aggregate classification (germline): Uncertain significance (1 of 4 stars; one submission).

Submission:

Labcorp Genetics (formerly Invitae), Labcorp
Classification: Uncertain significance. Last evaluated: 2024-02-17. Review status: criteria provided, single submitter. Criteria: Invitae Variant Classification Sherloc (09022015). Collection method: clinical testing. Allele origin: germline.
Comment: This sequence change falls in intron 5 of the VDR gene. It does not directly change the encoded amino acid sequence of the VDR protein. It affects a nucleotide within the consensus splice site. This variant is not present in population databases (gnomAD no frequency). This variant has not been reported in the literature in individuals affected with VDR-related conditions. ClinVar contains an entry for this variant (Variation ID: 2058975). Variants that disrupt the consensus splice site are a relatively common cause of aberrant splicing (PMID: 17576681, 9536098). Algorithms developed to predict the effect of sequence changes on RNA splicing suggest that this variant may disrupt the consensus splice site. In summary, the available evidence is currently insufficient to determine the role of this variant in disease. Therefore, it has been classified as a Variant of Uncertain Significance.

Literature cited by the submitters: PubMed 17576681; PubMed 9536098.